The following is an entry in ClinVar:

ClinVar aggregate classification (germline): Uncertain significance (1 of 4 stars; one submission).

Conditions:
Inborn genetic diseases. Identifiers: MedGen C0950123, MeSH D030342.

gnomAD v4.1: 2 of 1,614,126 alleles (0.00012%); highest among the groups gnomAD compares: East Asian, 0.0022%; no homozygotes.

Submission:

Ambry Genetics
Classification: Uncertain significance for Inborn genetic diseases. Last evaluated: 2026-01-06. Review status: criteria provided, single submitter. Criteria: Ambry Variant Classification Scheme 2023. Collection method: clinical testing. Allele origin: germline.
Comment: The p.P692L variant (also known as c.2075C>T), located in coding exon 8 of the MECOM gene, results from a C to T substitution at nucleotide position 2075. The proline at codon 692 is replaced by leucine, an amino acid with similar properties. This amino acid position is conserved. In addition, this alteration is predicted to be tolerated by in silico analysis. Based on the available evidence, the clinical significance of this variant remains unclear.

NM_004991.4(MECOM):c.2075C>T (p.Pro692Leu)

Gene: MECOM (MDS1 and EVI1 complex locus; minus strand). Cytogenetic location: 3q26.2.
Variant type: single nucleotide variant.
Coding change: c.2075C>T on transcript NM_004991.4 (MANE Select); coding-DNA position 2075, C replaced by T.
Protein change: p.Pro692Leu; replaces proline 692 with leucine.
Molecular consequence: missense variant. On other transcripts: intron variant (2).
Genome position (GRCh38, 1-based): chr3:169,115,797, G>A on the plus strand (C>T on the coding strand, the complement: MECOM is on the minus strand). VCF-style: chr3-169115797-G-A. GRCh37 (hg19) VCF-style: chr3-168833585-G-A.
Other names: c.1706C>T, p.Pro569Leu (NM_001105077.4); c.1511C>T, p.Pro504Leu (NM_001105078.4, NM_001164000.2, NM_001205194.2 and 4 more transcripts); c.1514C>T, p.Pro505Leu (NM_001163999.2, NM_001366467.2, NM_001366468.2 and 1 more transcripts); c.2075C>T, p.Pro692Leu (NM_001366466.2); c.1133-30C>T (NM_001366473.2); c.569-30C>T (NM_001366474.2); short protein forms P505L, P569L, P504L, P692L.
Identifiers: ClinVar variation 4842768 (VCV004842768.1).